The following is an entry in ClinVar:

NM_020764.4(CASKIN1):c.266C>T (p.Ala89Val)

Gene: CASKIN1 (CASK interacting protein 1; minus strand). Cytogenetic location: 16p13.3.
Variant type: single nucleotide variant.
Coding change: c.266C>T on transcript NM_020764.4 (MANE Select); coding-DNA position 266, C replaced by T.
Protein change: p.Ala89Val; replaces alanine 89 with valine.
Molecular consequence: missense variant.
Genome position (GRCh38, 1-based): chr16:2,189,543, G>A on the plus strand (C>T on the coding strand, the complement: CASKIN1 is on the minus strand). VCF-style: chr16-2189543-G-A. GRCh37 (hg19) VCF-style: chr16-2239544-G-A.
Other names: c.266C>T (NM_020764.3); short protein forms A89V.
Identifiers: ClinVar variation 2646055 (VCV002646055.24), dbSNP rs538769493, ClinGen allele CA276795595.
Genomic context (GRCh38, chr16:2,189,543, plus strand): 5'-TTCACGGCCGAGCCCGCCTTCAGCACCAGCTTCATGGGCTCCTTCCGGCCCTGCCAGGCC[G>A]CATAGTGCAGCGGCCGCATGCCTGGGGGGCGAGGGGATGCTGGGAGCTGACCCTTGACCC-3'
Protein context (NP_065815.1, residues 79-99): DNKGMRPLHY[Ala89Val]AWQGRKEPMK

ClinVar aggregate classification (germline): Uncertain significance. Review status: criteria provided, multiple submitters, no conflicts (2 of 4 stars). 2 submissions from 2 submitters: Uncertain significance (2). Last evaluated 2025-12-10.

Allele frequency attached by ClinVar (database versions not stated): gnomAD 0.00003; TOPMed 0.00003; gnomAD exomes 0.00004; 1000 Genomes Project 30x 0.00016; 1000 Genomes Project 0.00020.
gnomAD v4.1: 68 of 1,609,156 alleles (0.0042%); highest among the groups gnomAD compares: Admixed American, 0.0084%; no homozygotes.

Submissions (2):

Ambry Genetics
Classification: Uncertain significance. Last evaluated: 2025-12-10. Review status: criteria provided, single submitter. Criteria: Ambry Variant Classification Scheme 2023. Collection method: clinical testing. Allele origin: germline.

CeGaT Center for Human Genetics Tuebingen
Classification: Uncertain significance. Last evaluated: 2023-10-01. Review status: criteria provided, single submitter. Criteria: CeGaT Center For Human Genetics Tuebingen Variant Classification Criteria Version 2. Collection method: clinical testing. Allele origin: germline. Affected: yes. Observed: 1 variant allele.
Comment: CASKIN1: PM2, PP3